The following is an entry in ClinVar:

NM_000836.4(GRIN2D):c.3761G>C (p.Arg1254Pro)

Gene: GRIN2D (glutamate ionotropic receptor NMDA type subunit 2D; plus strand). Cytogenetic location: 19q13.33.
Variant type: single nucleotide variant.
Coding change: c.3761G>C on transcript NM_000836.4 (MANE Select); coding-DNA position 3761, G replaced by C.
Protein change: p.Arg1254Pro; replaces arginine 1254 with proline.
Molecular consequence: missense variant.
Genome position (GRCh38, 1-based): chr19:48,443,687, G>C. VCF-style: chr19-48443687-G-C. GRCh37 (hg19) VCF-style: chr19-48946944-G-C.
Other names: short protein forms R1254P.
Identifiers: ClinVar variation 1365496 (VCV001365496.8), dbSNP rs1419781537, ClinGen allele CA406678086.

ClinVar aggregate classification (germline): Uncertain significance (1 of 4 stars; one submission).

Allele frequency attached by ClinVar (database versions not stated): gnomAD 0.00003 and 0.00004.
gnomAD v4.1: 9 of 1,228,276 alleles (0.00073%); highest among the groups gnomAD compares: Admixed American, 0.013%; no homozygotes.

Submission:

Labcorp Genetics (formerly Invitae), Labcorp
Classification: Uncertain significance. Last evaluated: 2022-09-01. Review status: criteria provided, single submitter. Criteria: Invitae Variant Classification Sherloc (09022015). Collection method: clinical testing. Allele origin: germline.
Comment: ClinVar contains an entry for this variant (Variation ID: 1365496). In summary, the available evidence is currently insufficient to determine the role of this variant in disease. Therefore, it has been classified as a Variant of Uncertain Significance. Advanced modeling of protein sequence and biophysical properties (such as structural, functional, and spatial information, amino acid conservation, physicochemical variation, residue mobility, and thermodynamic stability) performed at Invitae indicates that this missense variant is not expected to disrupt GRIN2D protein function. This variant has not been reported in the literature in individuals affected with GRIN2D-related conditions. The frequency data for this variant in the population databases is considered unreliable, as metrics indicate poor data quality at this position in the gnomAD database. This sequence change replaces arginine, which is basic and polar, with proline, which is neutral and non-polar, at codon 1254 of the GRIN2D protein (p.Arg1254Pro).